The following is an entry in ClinVar:

NM_001384474.1(LOXHD1):c.3426G>A (p.Val1142=)

Gene: LOXHD1 (lipoxygenase homology PLAT domains 1; minus strand). Cytogenetic location: 18q21.1.
Variant type: single nucleotide variant.
Coding change: c.3426G>A on transcript NM_001384474.1 (MANE Select); coding-DNA position 3426, G replaced by A.
Protein change: p.Val1142=; no amino-acid change (valine 1142 retained).
Molecular consequence: synonymous variant. On other transcripts: 5 prime UTR variant (1).
Genome position (GRCh38, 1-based): chr18:46,546,983, C>T on the plus strand (G>A on the coding strand, the complement: LOXHD1 is on the minus strand). VCF-style: chr18-46546983-C-T. GRCh37 (hg19) VCF-style: chr18-44126946-C-T.
Other names: c.93G>A, p.Val31= (NM_001145472.3); c.-196G>A (NM_001308013.2); c.3426G>A, p.Val1142= (NM_144612.7).
Identifiers: ClinVar variation 178399 (VCV000178399.45), dbSNP rs200068167, ClinGen allele CA182252.

ClinVar aggregate classification (germline): Conflicting classifications of pathogenicity. Review status: criteria provided, conflicting classifications (1 of 4 stars). 6 submissions from 6 submitters: Uncertain significance (1); Likely benign (4). 1 of the submissions does not count toward it. Last evaluated 2026-06-01.

Conditions:
Autosomal recessive nonsyndromic hearing loss 77. Identifiers: Orphanet 90636, MedGen C2746083, MONDO:0013119, OMIM 613079.

Allele frequency attached by ClinVar (database versions not stated): 1000 Genomes Project 30x 0.00031; 1000 Genomes Project 0.00040; ExAC 0.00078; gnomAD exomes 0.00123 and 0.00228; gnomAD 0.00129 and 0.00130; ESP Exome Variant Server 0.00131; TOPMed 0.00142.
gnomAD v4.1: 3,408 of 1,551,754 alleles (0.22%); highest among the groups gnomAD compares: Non-Finnish European, 0.27%; 4 homozygotes.

Submissions (6):

CeGaT Center for Human Genetics Tuebingen
Classification: Likely benign. Last evaluated: 2026-06-01. Review status: criteria provided, single submitter. Criteria: CeGaT Center For Human Genetics Tuebingen Variant Classification Criteria Version 2. Collection method: clinical testing. Allele origin: germline. Affected: yes. Observed: 3 variant alleles.
Comment: LOXHD1: BP4

Labcorp Genetics (formerly Invitae), Labcorp
Classification: Likely benign. Last evaluated: 2026-02-04. Review status: criteria provided, single submitter. Criteria: Invitae Variant Classification Sherloc (09022015). Collection method: clinical testing. Allele origin: germline.

Blueprint Genetics
Classification: Likely benign. Last evaluated: 2024-11-12. Review status: criteria provided, single submitter. Criteria: ACMG Guidelines, 2015. Collection method: clinical testing. Allele origin: germline.

Illumina Laboratory Services, Illumina
Classification: Uncertain significance for Autosomal recessive nonsyndromic hearing loss 77. Last evaluated: 2018-01-12. Review status: criteria provided, single submitter. Criteria: ICSL Variant Classification Criteria 13 December 2019. Collection method: clinical testing. Allele origin: germline.

Laboratory for Molecular Medicine, Mass General Brigham Personalized Medicine
Classification: Likely benign. Last evaluated: 2017-12-21. Review status: criteria provided, single submitter. Criteria: LMM Criteria. Collection method: clinical testing. Allele origin: germline. Observed: 6 variant alleles.
Comment: p.Val1142Val in exon 22 of LOXHD1: This variant is not expected to have clinical significance because it does not alter an amino acid residue and is not located within the splice consensus sequence. It has been identified in 0.22% (161/7288 8) of European chromosomes by the Genome Aggregation Database (gnomAD; dbSNP rs200068167). ACMG/AMP criteria applied: BS1, BP7 .

Natera, Inc.
Classification: Uncertain significance for Autosomal recessive deafness type 77. Last evaluated: 2019-11-11. Review status: no assertion criteria provided. Collection method: clinical testing. Allele origin: germline. Not counted in ClinVar's aggregate classification.